The following is an entry in ClinVar:

NM_005633.4(SOS1):c.3859A>G (p.Ile1287Val)

Gene: SOS1 (SOS Ras/Rac guanine nucleotide exchange factor 1; minus strand). Cytogenetic location: 2p22.1.
Variant type: single nucleotide variant.
Coding change: c.3859A>G on transcript NM_005633.4 (MANE Select); coding-DNA position 3859, A replaced by G.
Protein change: p.Ile1287Val; replaces isoleucine 1287 with valine.
Molecular consequence: missense variant.
Genome position (GRCh38, 1-based): chr2:38,985,967, T>C on the plus strand (A>G on the coding strand, the complement: SOS1 is on the minus strand). VCF-style: chr2-38985967-T-C. GRCh37 (hg19) VCF-style: chr2-39213108-T-C.
Other names: c.3838A>G, p.Ile1280Val (NM_001382394.1); c.3814A>G, p.Ile1272Val (NM_001382395.1); short protein forms I1287V, I1272V, I1280V.
Identifiers: ClinVar variation 517435 (VCV000517435.20), dbSNP rs760917490, ClinGen allele CA1624103.
Genomic context (GRCh38, chr2:38,985,967, plus strand): 5'-GAGGGAGTTTAGGGATATGTTGAGAAGTGCTTTGTCGTGGAGGAACAGGCGGCCCAGCAA[T>C]GGAATGAAGGTCCACTTCTTGTGTCAATGGTGGTGATGGCAGATGCCTTCTTGTGCCGTG-3'
Protein context (NP_005624.2, residues 1277-1297): PLTQEVDLHS[Ile1287Val]AGPPVPPRQS

ClinVar aggregate classification (germline): Conflicting classifications of pathogenicity. Review status: criteria provided, conflicting classifications (1 of 4 stars). 4 submissions from 4 submitters: Uncertain significance (1); Benign (1); Likely benign (2). Last evaluated 2026-01-11.

Conditions:
Noonan syndrome and Noonan-related syndrome. Identifiers: Orphanet 98733, MedGen C5681679, MONDO:0020297.
Cardiovascular phenotype. Identifiers: MedGen CN230736.
RASopathy. Also called: Noonan spectrum disorder; rasopathies. Identifiers: Orphanet 536391, MedGen C5555857, MONDO:0021060.

Allele frequency attached by ClinVar (database versions not stated): TOPMed below 0.00001; gnomAD exomes 0.00001 and 0.00004; ExAC 0.00002.
gnomAD v4.1: 16 of 1,613,918 alleles (0.00099%); highest among the groups gnomAD compares: East Asian, 0.02%; no homozygotes.

Submissions (4):

Labcorp Genetics (formerly Invitae), Labcorp
Classification: Benign for RASopathy. Last evaluated: 2026-01-11. Review status: criteria provided, single submitter. Criteria: Invitae Variant Classification Sherloc (09022015). Collection method: clinical testing. Allele origin: germline.

Ambry Genetics
Classification: Uncertain significance for Cardiovascular phenotype. Last evaluated: 2021-03-19. Review status: criteria provided, single submitter. Criteria: Ambry Variant Classification Scheme 2023. Collection method: clinical testing. Allele origin: germline.
Comment: The p.I1287V variant (also known as c.3859A>G), located in coding exon 23 of the SOS1 gene, results from an A to G substitution at nucleotide position 3859. The isoleucine at codon 1287 is replaced by valine, an amino acid with highly similar properties. This amino acid position is not well conserved in available vertebrate species, and valine is the reference amino acid in other vertebrate species. In addition, this alteration is predicted to be tolerated by in silico analysis. Since supporting evidence is limited at this time, the clinical significance of this alteration remains unclear.

Genome Diagnostics Laboratory, The Hospital for Sick Children
Classification: Likely benign for Noonan syndrome and Noonan-related syndrome. Last evaluated: 2020-12-09. Review status: criteria provided, single submitter. Criteria: ACMG Guidelines, 2015. Collection method: clinical testing. Allele origin: germline.

Laboratory for Molecular Medicine, Mass General Brigham Personalized Medicine
Classification: Likely benign. Last evaluated: 2017-07-12. Review status: criteria provided, single submitter. Criteria: LMM Criteria. Collection method: clinical testing. Allele origin: germline. Observed: 1 variant allele.
Comment: p.Ile1287Val in exon 23 of SOS1: This variant is not expected to have clinical s ignificance due to a lack of conservation across species. Of note, isoleucine (I le) at position 1287 is not conserved in mammals or evolutionarily distant speci es and >20 species (including 3 mammals) carry a valine (Val), supporting that t his change may be tolerated. In addition, computational prediction tools do not suggest a high likelihood of impact to the protein. It has also been identified in 6/17246 East Asian chromosomes by the genome Aggregation Database (gnomAD; dbSNP rs760917490).